The following is an entry in ClinVar:

NM_004453.4(ETFDH):c.1705G>T (p.Val569Leu)

Gene: ETFDH (electron transfer flavoprotein dehydrogenase; plus strand). Cytogenetic location: 4q32.1.
Variant type: single nucleotide variant.
Coding change: c.1705G>T on transcript NM_004453.4 (MANE Select); coding-DNA position 1705, G replaced by T.
Protein change: p.Val569Leu; replaces valine 569 with leucine.
Molecular consequence: missense variant.
Genome position (GRCh38, 1-based): chr4:158,708,378, G>T. VCF-style: chr4-158708378-G-T. GRCh37 (hg19) VCF-style: chr4-159629530-G-T.
Other names: c.1564G>T, p.Val522Leu (NM_001281737.2); c.1522G>T, p.Val508Leu (NM_001281738.1); short protein forms V522L, V508L, V569L.
Identifiers: ClinVar variation 2060599 (VCV002060599.1), dbSNP rs762923670, ClinGen allele CA3122705.

ClinVar aggregate classification (germline): Uncertain significance (1 of 4 stars; one submission).

Conditions:
Multiple acyl-CoA dehydrogenase deficiency (MADD). Also called: Glutaric Acidemia type 2; Glutaric aciduria, type 2; Glutaric acidemia type II; GA 2; ETHYLMALONIC-ADIPICACIDURIA; GA II. Identifiers: Orphanet 26791, MedGen C0268596, MONDO:0009282, OMIM 231680.

Allele frequency attached by ClinVar (database versions not stated): ExAC 0.00006.
gnomAD v4.1: 18 of 1,610,200 alleles (0.0011%); highest among the groups gnomAD compares: Admixed American, 0.027%; no homozygotes.

Submission:

Labcorp Genetics (formerly Invitae), Labcorp
Classification: Uncertain significance for Multiple acyl-CoA dehydrogenase deficiency. Last evaluated: 2022-08-15. Review status: criteria provided, single submitter. Criteria: Invitae Variant Classification Sherloc (09022015). Collection method: clinical testing. Allele origin: germline.
Comment: This sequence change replaces valine, which is neutral and non-polar, with leucine, which is neutral and non-polar, at codon 569 of the ETFDH protein (p.Val569Leu). This variant is present in population databases (rs762923670, gnomAD 0.04%). This variant has not been reported in the literature in individuals affected with ETFDH-related conditions. Algorithms developed to predict the effect of missense changes on protein structure and function are either unavailable or do not agree on the potential impact of this missense change (SIFT: "Deleterious"; PolyPhen-2: "Benign"; Align-GVGD: "Class C0"). In summary, the available evidence is currently insufficient to determine the role of this variant in disease. Therefore, it has been classified as a Variant of Uncertain Significance.